The following is an entry in ClinVar:

ClinVar aggregate classification (germline): Likely pathogenic (1 of 4 stars; one submission).

Submission:

Labcorp Genetics (formerly Invitae), Labcorp
Classification: Likely pathogenic. Last evaluated: 2022-09-17. Review status: criteria provided, single submitter. Criteria: Invitae Variant Classification Sherloc (09022015). Collection method: clinical testing. Allele origin: germline.
Comment: This sequence change affects an acceptor splice site in intron 19 of the LOXHD1 gene. It is expected to disrupt RNA splicing. Variants that disrupt the donor or acceptor splice site typically lead to a loss of protein function (PMID: 16199547), and loss-of-function variants in LOXHD1 are known to be pathogenic (PMID: 19732867, 21465660, 25792669). This variant is not present in population databases (gnomAD no frequency). This variant has not been reported in the literature in individuals affected with LOXHD1-related conditions. In summary, the currently available evidence indicates that the variant is pathogenic, but additional data are needed to prove that conclusively. Therefore, this variant has been classified as Likely Pathogenic. Algorithms developed to predict the effect of sequence changes on RNA splicing suggest that this variant may disrupt the consensus splice site.

Literature cited by the submitters: PubMed 16199547; PubMed 19732867; PubMed 21465660; PubMed 25792669.

NM_001384474.1(LOXHD1):c.3062-2A>G

Gene: LOXHD1 (lipoxygenase homology PLAT domains 1; minus strand). Cytogenetic location: 18q21.1.
Variant type: single nucleotide variant.
Coding change: c.3062-2A>G on transcript NM_001384474.1 (MANE Select); the canonical splice acceptor site of the intron before coding-DNA position 3062, A replaced by G.
Molecular consequence: splice acceptor variant.
Genome position (GRCh38, 1-based): chr18:46,559,604, T>C on the plus strand (A>G on the coding strand, the complement: LOXHD1 is on the minus strand). VCF-style: chr18-46559604-T-C. GRCh37 (hg19) VCF-style: chr18-44139567-T-C.
Other names: c.3062-2A>G (NM_144612.7).
Identifiers: ClinVar variation 2030925 (VCV002030925.4), dbSNP rs2511827193, ClinGen allele CA402369598.